The following is an entry in ClinVar:

NM_001035.3(RYR2):c.14808+2T>C

Gene: RYR2 (ryanodine receptor 2; plus strand). Cytogenetic location: 1q43.
Variant type: single nucleotide variant.
Coding change: c.14808+2T>C on transcript NM_001035.3 (MANE Select); the canonical splice donor site of the intron after coding-DNA position 14808, T replaced by C.
Molecular consequence: splice donor variant.
Genome position (GRCh38, 1-based): chr1:237,831,567, T>C. VCF-style: chr1-237831567-T-C. GRCh37 (hg19) VCF-style: chr1-237994867-T-C.
Identifiers: ClinVar variation 3071674 (VCV003071674.1), dbSNP rs1663793978, ClinGen allele CA345410000.

ClinVar aggregate classification (germline): Uncertain significance (1 of 4 stars; one submission).

Conditions:
Catecholaminergic polymorphic ventricular tachycardia (CVPT). Also called: Catecholamine-induced polymorphic ventricular tachycardia. Identifiers: Orphanet 3286, MedGen C5574922, MONDO:0017990.

Submission:

All of Us Research Program, National Institutes of Health
Classification: Uncertain significance for Catecholaminergic polymorphic ventricular tachycardia. Last evaluated: 2023-06-08. Review status: criteria provided, single submitter. Criteria: ACMG Guidelines, 2015. Collection method: clinical testing. Allele origin: germline. Inheritance: Autosomal dominant inheritance. Observed: 1 variant allele, 1 heterozygote.
Comment: This variant causes a T to C nucleotide substitution at the +2 position of intron 104 of the RYR2 gene. Splice site prediction tools predict that this variant may have a significant impact on RNA splicing. To our knowledge, RNA studies have not been reported for this variant. This variant has not been reported in individuals affected with RYR2-related disorders in the literature. This variant has not been identified in the general population by the Genome Aggregation Database (gnomAD). The role of loss-of-function RYR2 truncation and splice variants in autosomal dominant cardiovascular disorders is not clearly established. The available evidence is insufficient to determine the role of this variant in disease conclusively. Therefore, this variant is classified as a Variant of Uncertain Significance.

This study involves interpretation of variants in research participants for the purpose of population health screening. Participant phenotype was not available at the time of variant classification. Additional details can be found in publication PMID: 35346344, PMCID: PMC8962531